The following is an entry in ClinVar:

ClinVar aggregate classification (germline): Likely pathogenic (1 of 4 stars; one submission).

Submission:

GeneDx
Classification: Likely pathogenic. Last evaluated: 2016-08-31. Review status: criteria provided, single submitter. Criteria: GeneDx Variant Classification (06012015). Collection method: clinical testing. Allele origin: germline. Affected: yes.
Comment: The c.942_944delAGG variant in the TP63 gene has not been reported previously as a pathogenic variant nor as a benign variant, to our knowledge. The c.942_944delAGG variant causes a single amino acid deletion of codon Glycine 315, denoted p.Gly315del. This deletion occurs in the DNA binding domain of the protein. The c.942_944delAGG variant was not observed in approximately 6,500 individuals of European and African American ancestry in the NHLBI Exome Sequencing Project, indicating it is not a common benign variant in these populations. The c.942_944delAGG variant is a strong candidate for a pathogenic variant which may be related to the clinical features reported in this individual, however the possibility it may be a rare benign variant cannot be excluded.

NM_003722.5(TP63):c.942_944del (p.Gly315del)

Gene: TP63 (tumor protein p63; plus strand). Cytogenetic location: 3q28.
Variant type: Deletion.
Coding change: c.942_944del on transcript NM_003722.5 (MANE Select); coding-DNA positions 942 to 944, 3 bases deleted (AGG; older notation c.942_944delAGG).
Protein change: p.Gly315del; deletes glycine 315.
Molecular consequence: inframe deletion.
Genome position (GRCh38, 1-based): chr3:189,867,892-189,867,894, AGG deleted; deleting any 3 consecutive bases within chr3:189,867,890-189,867,894 gives the same sequence; the c. name uses the placement nearest the transcript's 3' end. VCF-style (leftmost placement, unchanged base first): chr3-189867889-TGGA-T. GRCh37 (hg19) VCF-style: chr3-189585678-TGGA-T.
Other names: c.942_944del, p.Gly315del (NM_001114978.2, NM_001114979.2, NM_001329144.2 and 1 more transcripts); c.660_662del, p.Gly221del (NM_001114980.2, NM_001114981.2, NM_001114982.2 and 2 more transcripts); c.405_407del, p.Gly136del (NM_001329146.2, NM_001329150.2); c.936_938del, p.Gly313del (NM_001329964.2); short protein forms G315del, G221del, G136del, G313del.
Identifiers: ClinVar variation 373009 (VCV000373009.1), dbSNP rs1057518137, ClinGen allele CA16042467.
Genomic context (GRCh38, chr3:189,867,889, plus strand): 5'-TCAGGTTGGCACTGAATTCACGACAGTCTTGTACAATTTCATGTGTAACAGCAGTTGTGT[TGGA>T]GGGATGAACCGCCGTCCAATTTTAATCATTGTTACTCTGGAAACCAGAGAGTAAGTGGCG-3'